The following is an entry in ClinVar:

NM_004937.3(CTNS):c.*180C>T

Gene: CTNS (cystinosin, lysosomal cystine transporter; plus strand). Cytogenetic location: 17p13.2.
Variant type: single nucleotide variant.
Coding change: c.*180C>T on transcript NM_004937.3 (MANE Select); 180 bases downstream of the stop codon, C replaced by T.
Molecular consequence: 3 prime UTR variant. On other transcripts: intron variant (2).
Genome position (GRCh38, 1-based): chr17:3,660,549, C>T. VCF-style: chr17-3660549-C-T. GRCh37 (hg19) VCF-style: chr17-3563843-C-T.
Other names: c.*180C>T (NM_001374493.1, NM_001374494.1, NM_001374495.1 and 1 more transcripts); c.1086-68C>T (NM_001031681.3, NM_001374492.1).
Identifiers: ClinVar variation 891685 (VCV000891685.4), dbSNP rs552754402, ClinGen allele CA287022497.
Genomic context (GRCh38, chr17:3,660,549, plus strand): 5'-AGAGGAGACCACTCTGCTCCTGGGGCCAGAGGCCATTCAATAGCCTGCCTTCGTCCGGGC[C>T]CCTCCTGGGCCTCCCCGGCCAGGCACGTGGCACCGTCGCCTTGACACCGCCATCTCTTTT-3'

ClinVar aggregate classification (germline): Likely benign. Review status: criteria provided, single submitter (1 of 4 stars). 2 submissions from 1 submitter: Likely benign (2). Last evaluated 2018-01-12.

Conditions:
Ocular cystinosis. Also called: Non-Nephropathic (Ocular) Cystinosis; Non-Nephropathic Cystinosis. Identifiers: Orphanet 213, Orphanet 411641, MedGen C2931013, MONDO:0009064, OMIM 219750.
Nephropathic cystinosis (CTNS). Also called: CYSTINOSIN, DEFECT OF; LYSOSOMAL CYSTINE TRANSPORT PROTEIN, DEFECT OF; Abderhalden Lignac Kaufmann disease; Abderhalden-Kaufmann-Lignac syndrome. Identifiers: Orphanet 213, Orphanet 411629, MedGen C2931187, MONDO:0100151, OMIM 219800.

Allele frequency attached by ClinVar (database versions not stated): gnomAD 0.00003 and 0.00030; TOPMed 0.00005; gnomAD exomes 0.00046; 1000 Genomes Project 30x 0.00203; 1000 Genomes Project 0.00220.
gnomAD v4.1: 709 of 1,612,864 alleles (0.044%); highest among the groups gnomAD compares: South Asian, 0.74%; 8 homozygotes.

Submissions (2):

Illumina Laboratory Services, Illumina
Classification: Likely benign for Ocular cystinosis. Last evaluated: 2018-01-12. Review status: criteria provided, single submitter. Criteria: ICSL Variant Classification Criteria 13 December 2019. Collection method: clinical testing. Allele origin: germline.
Comment: This variant was observed in the ICSL laboratory as part of a predisposition screen in an ostensibly healthy population. It had not been previously curated by ICSL or reported in the Human Gene Mutation Database (HGMD: prior to June 1st, 2018), and was therefore a candidate for classification through an automated scoring system. Utilizing variant allele frequency, disease prevalence and penetrance estimates, and inheritance mode, an automated score was calculated to assess if this variant is too frequent to cause the disease. Based on the score and internal cut-off values, a variant classified as likely benign is not then subjected to further curation. The score for this variant resulted in a classification of likely benign for this disease.

Illumina Laboratory Services, Illumina
Classification: Likely benign for Nephropathic cystinosis. Last evaluated: 2018-01-12. Review status: criteria provided, single submitter. Criteria: ICSL Variant Classification Criteria 13 December 2019. Collection method: clinical testing. Allele origin: germline.
Comment: the same text as in the submission from Illumina Laboratory Services, Illumina above.